The following is an entry in ClinVar:

NM_007294.4(BRCA1):c.337A>T (p.Asn113Tyr)

Gene: BRCA1 (BRCA1 DNA repair associated; minus strand). Cytogenetic location: 17q21.31.
Variant type: single nucleotide variant.
Coding change: c.337A>T on transcript NM_007294.4 (MANE Select); coding-DNA position 337, A replaced by T.
Protein change: p.Asn113Tyr; replaces asparagine 113 with tyrosine.
Molecular consequence: missense variant. On other transcripts: non-coding transcript variant (1).
Genome position (GRCh38, 1-based): chr17:43,104,226, T>A on the plus strand (A>T on the coding strand, the complement: BRCA1 is on the minus strand). VCF-style: chr17-43104226-T-A. GRCh37 (hg19) VCF-style: chr17-41256243-T-A.
Other names: c.337A>T, p.Asn113Tyr (NM_001408403.1, NM_001408404.1, NM_001408406.1 and 165 more transcripts); c.328A>T, p.Asn110Tyr (NM_001408408.1, NM_001407646.1, NM_001407647.1); c.259A>T, p.Asn87Tyr (NM_001408409.1, NM_001408411.1, NM_001408412.1 and 21 more transcripts); c.196A>T, p.Asn66Tyr (NM_001408410.1, NM_001408456.1, NM_001408457.1 and 99 more transcripts); c.127A>T, p.Asn43Tyr (NM_001407571.1, NM_001408478.1, NM_001408479.1 and 58 more transcripts); c.-45A>T (NM_001408510.1, NM_001408512.1, NM_001407959.1 and 4 more transcripts); c.205A>T, p.Asn69Tyr (NM_001408451.1); short protein forms N66Y, N87Y, N110Y, N113Y, N43Y, N69Y.
Identifiers: ClinVar variation 1730800 (VCV001730800.6), dbSNP rs2552252144, ClinGen allele CA10601469.
Genomic context (GRCh38, chr17:43,104,226, plus strand): 5'-GGTTTCTGTAGCCCATACTTTGGATGATAGAAACTTCATCTTTTAGATGTTCAGGAGAGT[T>A]ATTTTCCTTTTTTGCAAAATTATAGCTGTTTGCATCTGTAAAATACAAGGGAAAACATTA-3'
Protein context (NP_009225.1, residues 103-123): NSYNFAKKEN[Asn113Tyr]SPEHLKDEVS

ClinVar aggregate classification (germline): Uncertain significance. Review status: criteria provided, multiple submitters, no conflicts (2 of 4 stars). 2 submissions from 2 submitters: Uncertain significance (2). Last evaluated 2024-06-04.

Conditions:
Hereditary cancer-predisposing syndrome. Also called: Neoplastic Syndromes, Hereditary; Tumor predisposition; Hereditary Cancer Syndrome; Hereditary neoplastic syndrome. Identifiers: Orphanet 140162, MedGen C0027672, MeSH D009386, MONDO:0015356.
Hereditary breast ovarian cancer syndrome. Also called: Hereditary breast and ovarian cancer syndrome; Hereditary breast and ovarian cancer; Breast and ovarian cancer; Hereditary breast and ovarian cancer syndrome (HBOC); Hereditary breast and/or ovarian cancer syndrome; BRCA1- and BRCA2-Associated Hereditary Breast and Ovarian Cancer. Identifiers: Orphanet 145, MedGen C0677776, MeSH D061325, MONDO:0003582. Disease mechanism: loss of function.

Submissions (2):

Labcorp Genetics (formerly Invitae), Labcorp
Classification: Uncertain significance for Hereditary breast ovarian cancer syndrome. Last evaluated: 2024-06-04. Review status: criteria provided, single submitter. Criteria: Invitae Variant Classification Sherloc (09022015). Collection method: clinical testing. Allele origin: germline.
Comment: This sequence change replaces asparagine, which is neutral and polar, with tyrosine, which is neutral and polar, at codon 113 of the BRCA1 protein (p.Asn113Tyr). This variant is not present in population databases (gnomAD no frequency). This variant has not been reported in the literature in individuals affected with BRCA1-related conditions. ClinVar contains an entry for this variant (Variation ID: 1730800). Advanced modeling of protein sequence and biophysical properties (such as structural, functional, and spatial information, amino acid conservation, physicochemical variation, residue mobility, and thermodynamic stability) performed at Invitae indicates that this missense variant is not expected to disrupt BRCA1 protein function with a negative predictive value of 95%. In summary, the available evidence is currently insufficient to determine the role of this variant in disease. Therefore, it has been classified as a Variant of Uncertain Significance.

Ambry Genetics
Classification: Uncertain significance for Hereditary cancer-predisposing syndrome. Last evaluated: 2024-04-12. Review status: criteria provided, single submitter. Criteria: Ambry Variant Classification Scheme 2023. Collection method: clinical testing. Allele origin: germline.
Comment: The p.N113Y variant (also known as c.337A>T), located in coding exon 5 of the BRCA1 gene, results from an A to T substitution at nucleotide position 337. The asparagine at codon 113 is replaced by tyrosine, an amino acid with dissimilar properties. This amino acid position is not well conserved in available vertebrate species. In addition, this alteration is predicted to be deleterious by in silico analysis. Since supporting evidence is limited at this time, the clinical significance of this alteration remains unclear.